The following is an entry in ClinVar:

ClinVar aggregate classification (germline): Uncertain significance (1 of 4 stars; one submission).

Conditions:
Hereditary cancer-predisposing syndrome. Also called: Hereditary neoplastic syndrome; Tumor predisposition; Hereditary Cancer Syndrome; Neoplastic Syndromes, Hereditary. Identifiers: Orphanet 140162, MedGen C0027672, MeSH D009386, MONDO:0015356.

gnomAD v4.1: 1 of 1,614,152 alleles (0.000062%); highest among the groups gnomAD compares: Non-Finnish European, 0.000085%; no homozygotes.

Submission:

Ambry Genetics
Classification: Uncertain significance for Hereditary cancer-predisposing syndrome. Last evaluated: 2023-08-28. Review status: criteria provided, single submitter. Criteria: Ambry Variant Classification Scheme 2023. Collection method: clinical testing. Allele origin: germline.
Comment: The p.K1601R variant (also known as c.4802A>G), located in coding exon 22 of the DICER1 gene, results from an A to G substitution at nucleotide position 4802. The lysine at codon 1601 is replaced by arginine, an amino acid with highly similar properties. This amino acid position is conserved. In addition, this alteration is predicted to be tolerated by in silico analysis. Since supporting evidence is limited at this time, the clinical significance of this alteration remains unclear.

NM_177438.3(DICER1):c.4802A>G (p.Lys1601Arg)

Gene: DICER1 (dicer 1, ribonuclease III; minus strand). Cytogenetic location: 14q32.13.
Variant type: single nucleotide variant.
Coding change: c.4802A>G on transcript NM_177438.3 (MANE Select); coding-DNA position 4802, A replaced by G.
Protein change: p.Lys1601Arg; replaces lysine 1601 with arginine.
Molecular consequence: missense variant. On other transcripts: non-coding transcript variant (6).
Genome position (GRCh38, 1-based): chr14:95,096,118, T>C on the plus strand (A>G on the coding strand, the complement: DICER1 is on the minus strand). VCF-style: chr14-95096118-T-C. GRCh37 (hg19) VCF-style: chr14-95562455-T-C.
Other names: c.4802A>G, p.Lys1601Arg (NM_001195573.1, NM_001271282.3, NM_001291628.2 and 13 more transcripts); c.4520A>G, p.Lys1507Arg (NM_001395686.1); c.4397A>G, p.Lys1466Arg (NM_001395687.1, NM_001395688.1, NM_001395689.1 and 2 more transcripts); c.4235A>G, p.Lys1412Arg (NM_001395691.1); c.3119A>G, p.Lys1040Arg (NM_001395697.1); short protein forms K1040R, K1507R, K1412R, K1466R, K1601R.
Identifiers: ClinVar variation 2586419 (VCV002586419.2), dbSNP rs181018393, ClinGen allele CA390867106.